The following is an entry in ClinVar:

NM_014712.3(SETD1A):c.2649G>A (p.Gly883=)

Gene: SETD1A (SET domain containing 1A, histone lysine methyltransferase; plus strand). Cytogenetic location: 16p11.2.
Variant type: single nucleotide variant.
Coding change: c.2649G>A on transcript NM_014712.3 (MANE Select); coding-DNA position 2649, G replaced by A.
Protein change: p.Gly883=; no amino-acid change (glycine 883 retained).
Molecular consequence: synonymous variant.
Genome position (GRCh38, 1-based): chr16:30,967,027, G>A. VCF-style: chr16-30967027-G-A. GRCh37 (hg19) VCF-style: chr16-30978348-G-A.
Identifiers: ClinVar variation 784338 (VCV000784338.28), dbSNP rs148878209, ClinGen allele CA8016979.
Genomic context (GRCh38, chr16:30,967,027, plus strand): 5'-CGTGGACTGGGCCAAGAGCGGGGGCACTACGGGCATCGAGGCTTTCGCCTTTGGGTCAGG[G>A]CTGAGAGGGGCCCTGCGGCTGCCTTCATTCAAGGTACTCAGAACTGTCGTTTTGTGGGGT-3'
Protein context (NP_055527.1, residues 873-893): TGIEAFAFGS[Gly883=]LRGALRLPSF

ClinVar aggregate classification (germline): Benign/Likely benign. Review status: criteria provided, multiple submitters, no conflicts (2 of 4 stars). 3 submissions from 3 submitters: Benign (2); Likely benign (1). Last evaluated 2023-03-01.

Allele frequency attached by ClinVar (database versions not stated): gnomAD exomes 0.00015 and 0.00039; ESP Exome Variant Server 0.00054; ExAC 0.00094; gnomAD 0.00094 and 0.00096; TOPMed 0.00099; 1000 Genomes Project 30x 0.00109; 1000 Genomes Project 0.00120.
gnomAD v4.1: 359 of 1,598,940 alleles (0.022%); highest among the groups gnomAD compares: African/African-American, 0.31%; 1 homozygote.

Submissions (3):

CeGaT Center for Human Genetics Tuebingen
Classification: Likely benign. Last evaluated: 2023-03-01. Review status: criteria provided, single submitter. Criteria: CeGaT Center For Human Genetics Tuebingen Variant Classification Criteria Version 2. Collection method: clinical testing. Allele origin: germline. Affected: yes. Observed: 1 variant allele.
Comment: SETD1A: BP4, BP7

Labcorp Genetics (formerly Invitae), Labcorp
Classification: Benign. Last evaluated: 2018-05-21. Review status: criteria provided, single submitter. Criteria: Invitae Variant Classification Sherloc (09022015). Collection method: clinical testing. Allele origin: germline.

Breakthrough Genomics
Classification: Benign. Review status: criteria provided, single submitter. Criteria: ACMG Guidelines, 2015. Collection method: not provided. Allele origin: germline. Inheritance: Autosomal dominant inheritance. Affected: yes.